The following is an entry in ClinVar:

NM_001354930.2(RIPK1):c.392G>A (p.Gly131Glu)

Gene: RIPK1 (receptor interacting serine/threonine kinase 1; plus strand). Cytogenetic location: 6p25.2.
Variant type: single nucleotide variant.
Coding change: c.392G>A on transcript NM_001354930.2 (MANE Select); coding-DNA position 392, G replaced by A.
Protein change: p.Gly131Glu; replaces glycine 131 with glutamic acid.
Molecular consequence: missense variant. On other transcripts: 5 prime UTR variant (4), intron variant (1).
Genome position (GRCh38, 1-based): chr6:3,081,049, G>A. VCF-style: chr6-3081049-G-A. GRCh37 (hg19) VCF-style: chr6-3081283-G-A.
Other names: c.-212G>A (NM_001317061.3, NM_001354932.2, NM_001354933.2 and 1 more transcripts); c.392G>A, p.Gly131Glu (NM_003804.6); c.322-2036G>A (NM_001354931.2); short protein forms G131E.
Identifiers: ClinVar variation 2825485 (VCV002825485.3), dbSNP rs2533182053, ClinGen allele CA362576872.

ClinVar aggregate classification (germline): Uncertain significance (1 of 4 stars; one submission).

Submission:

Labcorp Genetics (formerly Invitae), Labcorp
Classification: Uncertain significance. Last evaluated: 2025-11-04. Review status: criteria provided, single submitter. Criteria: Invitae Variant Classification Sherloc (09022015). Collection method: clinical testing. Allele origin: germline.
Comment: This sequence change replaces glycine, which is neutral and non-polar, with glutamic acid, which is acidic and polar, at codon 131 of the RIPK1 protein (p.Gly131Glu). This variant is not present in population databases (gnomAD no frequency). This variant has not been reported in the literature in individuals affected with RIPK1-related conditions. ClinVar contains an entry for this variant (Variation ID: 2825485). An algorithm developed to predict the effect of missense changes on protein structure and function (PolyPhen-2) suggests that this variant is likely to be tolerated. In summary, the available evidence is currently insufficient to determine the role of this variant in disease. Therefore, it has been classified as a Variant of Uncertain Significance.